The following is an entry in ClinVar:

ClinVar aggregate classification (germline): Conflicting classifications of pathogenicity. Review status: criteria provided, conflicting classifications (1 of 4 stars). 6 submissions from 6 submitters: Uncertain significance (5); Likely benign (1). Last evaluated 2025-10-13.

Conditions:
Cardiovascular phenotype. Identifiers: MedGen CN230736.
Familial hypobetalipoproteinemia 1. Also called: Hypobetalipoproteinemia, normotriglyceridemic; Acanthocytosis with hypobetalipoproteinemia; APOB-Related Familial Hypobetalipoproteinemia. Identifiers: MedGen C4551990, MONDO:0014252, OMIM 615558.
Hypercholesterolemia, autosomal dominant, type B (FHCL2). Also called: Familial Hypercholesterolemia Type B; Familial hypercholesterolemia 2; Hyperlipoproteinemia Type IIb; HYPERCHOLESTEROLEMIA, FAMILIAL, DUE TO LIGAND-DEFECTIVE APOLIPOPROTEIN B; APOLIPOPROTEIN B-100, FAMILIAL DEFECTIVE; APOLIPOPROTEIN B-100, FAMILIAL LIGAND-DEFECTIVE. Identifiers: MedGen C1704417, MONDO:0007751, OMIM 144010.

Allele frequency attached by ClinVar (database versions not stated): gnomAD exomes 0.00001; gnomAD 0.00005 and 0.00006; TOPMed 0.00016.
gnomAD v4.1: 15 of 1,613,630 alleles (0.00093%); highest among the groups gnomAD compares: Admixed American, 0.018%; 1 homozygote.

Submissions (6):

Labcorp Genetics (formerly Invitae), Labcorp
Classification: Uncertain significance for Familial hypobetalipoproteinemia 1; Hypercholesterolemia, autosomal dominant, type B. Last evaluated: 2025-10-13. Review status: criteria provided, single submitter. Criteria: Invitae Variant Classification Sherloc (09022015). Collection method: clinical testing. Allele origin: germline.
Comment: This sequence change replaces serine, which is neutral and polar, with cysteine, which is neutral and slightly polar, at codon 4244 of the APOB protein (p.Ser4244Cys). This variant is present in population databases (no rsID available, gnomAD 0.006%). This missense change has been observed in individual(s) with clinical features of familial hypercholesterolemia (internal data). ClinVar contains an entry for this variant (Variation ID: 928142). Invitae Evidence Modeling of protein sequence and biophysical properties (such as structural, functional, and spatial information, amino acid conservation, physicochemical variation, residue mobility, and thermodynamic stability) indicates that this missense variant is not expected to disrupt APOB protein function with a negative predictive value of 95%. In summary, the available evidence is currently insufficient to determine the role of this variant in disease. Therefore, it has been classified as a Variant of Uncertain Significance.

Ambry Genetics
Classification: Uncertain significance for Cardiovascular phenotype. Last evaluated: 2024-11-23. Review status: criteria provided, single submitter. Criteria: Ambry Variant Classification Scheme 2023. Collection method: clinical testing. Allele origin: germline.
Comment: The p.S4244C variant (also known as c.12731C>G), located in coding exon 29 of the APOB gene, results from a C to G substitution at nucleotide position 12731. The serine at codon 4244 is replaced by cysteine, an amino acid with dissimilar properties. This amino acid position is not well conserved in available vertebrate species, and cysteine is the reference amino acid in other vertebrate species. In addition, this alteration is predicted to be tolerated by in silico analysis. Since supporting evidence is limited at this time, the clinical significance of this alteration remains unclear.

Quest Diagnostics Nichols Institute San Juan Capistrano
Classification: Uncertain significance. Last evaluated: 2023-04-24. Review status: criteria provided, single submitter. Criteria: Quest Diagnostics criteria. Collection method: clinical testing. Allele origin: unknown.
Comment: To the best of our knowledge, the variant has not been reported in the published literature. The frequency of this variant in the general population, 0.000087 (3/34502 chromosomes), is uninformative in assessment of its pathogenicity. Analysis of this variant using bioinformatics tools for the prediction of the effect of amino acid changes on protein structure and function yielded predictions that this variant is benign. Based on the available information, we are unable to determine the clinical significance of this variant.

New York Genome Center
Classification: Uncertain significance for Hypercholesterolemia, autosomal dominant, type B; Familial hypobetalipoproteinemia 1. Last evaluated: 2022-04-22. Review status: criteria provided, single submitter. Criteria: NYGC Assertion Criteria 2020. Collection method: clinical testing. Allele origin: germline. Observed: 1 heterozygote.
Comment: The c.12731C>G variant in APOB has not previously been reported in the literature, however, it has been deposited in ClinVar as a Variant of Uncertain Significance for familial hypercholesterolemia [ClinVar ID: 928142]. The c.12731C>G variant is observed in 73 alleles (~0.009% minor allele frequency with 0 homozygotes) in population databases (gnomAD v2.1.1 and v3.1.2, TOPMed Freeze 8, All of US), suggesting it is not a common benign variant in the populations represented in those databases. The c.12731C>G variant is located in exon 29 of this 29-exon gene and predicted to replace serine amino acid with cysteine at position 4244 in alpha 3 domain of APOB protein (PMID: 19200547). In silico tools predict the p.(Ser4244Cys) variant to be benign [REVEL = 0.073]; however, there are no functional studies to support or refute these predictions. Based on available evidence this c.12731C>G p.(Ser4244Cys) variant identified in APOB is classified as a Variant of Uncertain Significance.

Blueprint Genetics
Classification: Likely benign. Last evaluated: 2021-10-15. Review status: criteria provided, single submitter. Criteria: ACMG Guidelines, 2015. Collection method: clinical testing. Allele origin: germline.

Fulgent Genetics
Classification: Uncertain significance for Hypercholesterolemia, autosomal dominant, type B; Familial hypobetalipoproteinemia 1. Last evaluated: 2021-08-23. Review status: criteria provided, single submitter. Criteria: ACMG Guidelines, 2015. Collection method: clinical testing. Allele origin: unknown.

NM_000384.3(APOB):c.12731C>G (p.Ser4244Cys)

Gene: APOB (apolipoprotein B; minus strand). Cytogenetic location: 2p24.1.
Variant type: single nucleotide variant.
Coding change: c.12731C>G on transcript NM_000384.3 (MANE Select); coding-DNA position 12731, C replaced by G.
Protein change: p.Ser4244Cys; replaces serine 4244 with cysteine.
Molecular consequence: missense variant.
Genome position (GRCh38, 1-based): chr2:21,002,691, G>C on the plus strand (C>G on the coding strand, the complement: APOB is on the minus strand). VCF-style: chr2-21002691-G-C. GRCh37 (hg19) VCF-style: chr2-21225563-G-C.
Other names: short protein forms S4244C.
Identifiers: ClinVar variation 928142 (VCV000928142.21), dbSNP rs1052000878, ClinGen allele CA43488680.